The following is an entry in ClinVar:

NM_004082.5(DCTN1):c.2760+5G>A

Gene: DCTN1 (dynactin subunit 1; minus strand). Cytogenetic location: 2p13.1.
Variant type: single nucleotide variant.
Coding change: c.2760+5G>A on transcript NM_004082.5 (MANE Select); 5 bases into the intron after coding-DNA position 2760, G replaced by A.
Molecular consequence: intron variant.
Genome position (GRCh38, 1-based): chr2:74,366,239, C>T on the plus strand (G>A on the coding strand, the complement: DCTN1 is on the minus strand). VCF-style: chr2-74366239-C-T. GRCh37 (hg19) VCF-style: chr2-74593366-C-T.
Other names: c.2649+5G>A (NM_001190836.2); c.2691+5G>A (NM_001378992.1); c.2709+5G>A (NM_001378991.1); c.2700+5G>A (NM_001135040.3); c.2739+5G>A (NM_001190837.2); c.2358+5G>A (NM_001135041.3, NM_023019.4).
Identifiers: ClinVar variation 3755975 (VCV003755975.2).

ClinVar aggregate classification (germline): Uncertain significance (1 of 4 stars; one submission).

Conditions:
Amyotrophic lateral sclerosis type 1 (ALS1). Also called: AMYOTROPHIC LATERAL SCLEROSIS 1, FAMILIAL. Identifiers: Orphanet 803, MedGen C1862939, MONDO:0007103, OMIM 105400.
Neuronopathy, distal hereditary motor, type 7B. Also called: HMN VIIB; LOWER MOTOR NEURON DISEASE, DYNACTIN TYPE; NEURONOPATHY, DISTAL HEREDITARY MOTOR, AUTOSOMAL DOMINANT 14; NEURONOPATHY, DISTAL HEREDITARY MOTOR, HARDING TYPE VIIB; NEUROPATHY, DISTAL HEREDITARY MOTOR, HARDING TYPE VIIB; NEUROPATHY, DISTAL HEREDITARY MOTOR, WITH VOCAL CORD PARALYSIS, HARDING TYPE VIIB. Identifiers: Orphanet 139589, MedGen C1843315, MONDO:0011879, OMIM 607641.
Perry syndrome. Also called: PARKINSONISM WITH ALVEOLAR HYPOVENTILATION AND MENTAL DEPRESSION. Identifiers: Orphanet 178509, MedGen C1868594, MONDO:0008201, OMIM 168605.

gnomAD v4.1: 1 of 1,614,134 alleles (0.000062%); highest among the groups gnomAD compares: Non-Finnish European, 0.000085%; no homozygotes.

Submission:

Labcorp Genetics (formerly Invitae), Labcorp
Classification: Uncertain significance for Amyotrophic lateral sclerosis type 1; Neuronopathy, distal hereditary motor, type 7B; Perry syndrome. Last evaluated: 2024-04-24. Review status: criteria provided, single submitter. Criteria: Invitae Variant Classification Sherloc (09022015). Collection method: clinical testing. Allele origin: germline.
Comment: This sequence change falls in intron 23 of the DCTN1 gene. It does not directly change the encoded amino acid sequence of the DCTN1 protein. It affects a nucleotide within the consensus splice site. This variant is not present in population databases (gnomAD no frequency). This variant has not been reported in the literature in individuals affected with DCTN1-related conditions. Variants that disrupt the consensus splice site are a relatively common cause of aberrant splicing (PMID: 17576681, 9536098). Algorithms developed to predict the effect of sequence changes on RNA splicing suggest that this variant is not likely to affect RNA splicing. In summary, the available evidence is currently insufficient to determine the role of this variant in disease. Therefore, it has been classified as a Variant of Uncertain Significance.

Literature cited by the submitters: PubMed 17576681; PubMed 9536098.